The following is an entry in ClinVar:

NM_000426.4(LAMA2):c.5235-1G>A

Gene: LAMA2 (laminin subunit alpha 2; plus strand). Cytogenetic location: 6q22.33.
Variant type: single nucleotide variant.
Coding change: c.5235-1G>A on transcript NM_000426.4 (MANE Select); the canonical splice acceptor site of the intron before coding-DNA position 5235, G replaced by A.
Molecular consequence: splice acceptor variant.
Genome position (GRCh38, 1-based): chr6:129,393,044, G>A. VCF-style: chr6-129393044-G-A. GRCh37 (hg19) VCF-style: chr6-129714189-G-A.
Other names: c.5235-1G>A (NM_001079823.2).
Identifiers: ClinVar variation 1509825 (VCV001509825.9), dbSNP rs1779406142, ClinGen allele CA365614555.
Genomic context (GRCh38, chr6:129,393,044, plus strand): 5'-AATAAACCCTAAGGCAGTGACATGAGCTCATTGTCTATTATTGGGCTGGGGGTGGTTACA[G>A]AGCTGCAGAAGCCCTTCTGAAAAAAGTGAAGAAGCTGTTTGGAGAGTCCCGGGGGGAAAA-3'

ClinVar aggregate classification (germline): Likely pathogenic. Review status: criteria provided, multiple submitters, no conflicts (2 of 4 stars). 2 submissions from 2 submitters: Likely pathogenic (2). Last evaluated 2023-09-17.

Conditions:
Merosin deficient congenital muscular dystrophy (MDC1A). Also called: Congenital Muscular Dystrophy Type 1A (MDC1A); Congenital merosin-deficient muscular dystrophy 1A. Identifiers: Orphanet 258, MedGen C1263858, MONDO:0011925, OMIM 607855.
Muscular dystrophy, limb-girdle, autosomal recessive 23. Identifiers: Orphanet 565837, MedGen C4748327, MONDO:0029136, OMIM 618138.
LAMA2-related muscular dystrophy (LAMA2-RD). Also called: Laminin alpha 2-related dystrophy. Identifiers: MedGen C5679788, MONDO:0100228.

gnomAD v4.1: 1 of 1,612,598 alleles (0.000062%); no homozygotes.

Submissions (2):

Labcorp Genetics (formerly Invitae), Labcorp
Classification: Likely pathogenic for LAMA2-related muscular dystrophy. Last evaluated: 2023-09-17. Review status: criteria provided, single submitter. Criteria: Invitae Variant Classification Sherloc (09022015). Collection method: clinical testing. Allele origin: germline.
Comment: ClinVar contains an entry for this variant (Variation ID: 1509825). In summary, the currently available evidence indicates that the variant is pathogenic, but additional data are needed to prove that conclusively. Therefore, this variant has been classified as Likely Pathogenic. Algorithms developed to predict the effect of sequence changes on RNA splicing suggest that this variant may disrupt the consensus splice site. Disruption of this splice site has been observed in individual(s) with clinical features of LAMA2-related conditions (Invitae). This variant is not present in population databases (gnomAD no frequency). This sequence change affects an acceptor splice site in intron 36 of the LAMA2 gene. It is expected to disrupt RNA splicing. Variants that disrupt the donor or acceptor splice site typically lead to a loss of protein function (PMID: 16199547), and loss-of-function variants in LAMA2 are known to be pathogenic (PMID: 18700894, 32904964).

Pediatric/Medical Genetics, Ministry of Health, Qatif Central Hospital
Classification: Likely pathogenic for Muscular dystrophy, limb-girdle, autosomal recessive 23; Merosin deficient congenital muscular dystrophy. Review status: criteria provided, single submitter. Criteria: ACMG Guidelines, 2015. Collection method: clinical testing. Allele origin: germline. Inheritance: Autosomal recessive inheritance. Affected: yes.

Literature cited by the submitters: PubMed 16199547 (cited by Labcorp Genetics (formerly Invitae), Labcorp); PubMed 18700894 (cited by Labcorp Genetics (formerly Invitae), Labcorp); PubMed 32904964 (cited by Labcorp Genetics (formerly Invitae), Labcorp).